The following is an entry in ClinVar:

NM_016239.4(MYO15A):c.8768G>A (p.Arg2923Gln)

Gene: MYO15A (myosin XVA; plus strand). Cytogenetic location: 17p11.2.
Variant type: single nucleotide variant.
Coding change: c.8768G>A on transcript NM_016239.4 (MANE Select); coding-DNA position 8768, G replaced by A.
Protein change: p.Arg2923Gln; replaces arginine 2923 with glutamine.
Molecular consequence: missense variant.
Genome position (GRCh38, 1-based): chr17:18,157,210, G>A. VCF-style: chr17-18157210-G-A. GRCh37 (hg19) VCF-style: chr17-18060524-G-A.
Other names: short protein forms R2923Q.
Identifiers: ClinVar variation 517464 (VCV000517464.16), dbSNP rs761180573, ClinGen allele CA8425253.

ClinVar aggregate classification (germline): Conflicting classifications of pathogenicity. Review status: criteria provided, conflicting classifications (1 of 4 stars). 6 submissions from 6 submitters: Uncertain significance (3); Likely benign (3). Last evaluated 2026-05-15.

Conditions:
MYO15A-related disorder. Also called: MYO15A-related condition.
Inborn genetic diseases. Identifiers: MedGen C0950123, MeSH D030342.

Allele frequency attached by ClinVar (database versions not stated): gnomAD exomes 0.00005 and 0.00010; ExAC 0.00008; gnomAD 0.00019 and 0.00021; TOPMed 0.00019.
gnomAD v4.1: 105 of 1,608,280 alleles (0.0065%); highest among the groups gnomAD compares: African/African-American, 0.051%; no homozygotes.

Submissions (6):

GeneDx
Classification: Uncertain significance. Last evaluated: 2026-05-15. Review status: criteria provided, single submitter. Criteria: GeneDx Variant Classification Process June 2021. Collection method: clinical testing. Allele origin: germline.
Comment: In silico analysis suggests that this missense variant does not alter protein structure/function; Has not been previously published as pathogenic or benign to our knowledge

PreventionGenetics, part of Exact Sciences
Classification: Uncertain significance for MYO15A-related condition. Last evaluated: 2026-03-31. Review status: criteria provided, single submitter. Criteria: ACMG Guidelines, 2015. Collection method: clinical testing. Allele origin: germline.
Comment: The MYO15A c.8768G>A variant is predicted to result in the amino acid substitution p.Arg2923Gln. To our knowledge, this variant has not been reported in the literature. This variant is reported in 0.070% of alleles in individuals of African descent in gnomAD. Although we suspect that this variant may be benign, at this time, the clinical significance of this variant is uncertain due to the absence of conclusive functional and genetic evidence.

Labcorp Genetics (formerly Invitae), Labcorp
Classification: Likely benign. Last evaluated: 2025-12-27. Review status: criteria provided, single submitter. Criteria: Invitae Variant Classification Sherloc (09022015). Collection method: clinical testing. Allele origin: germline.

Ambry Genetics
Classification: Uncertain significance for Inborn genetic diseases. Last evaluated: 2025-11-07. Review status: criteria provided, single submitter. Criteria: Ambry Variant Classification Scheme 2023. Collection method: clinical testing. Allele origin: germline.

Laboratory for Molecular Medicine, Mass General Brigham Personalized Medicine
Classification: Likely benign. Last evaluated: 2017-07-25. Review status: criteria provided, single submitter. Criteria: LMM Criteria. Collection method: clinical testing. Allele origin: germline. Observed: 2 variant alleles.
Comment: p.Arg2923Gln in exon 50 of MYO15A: This variant is not expected to have clinical significance due to a lack of conservation across species, including mammals. O f note, 9 have a Glutamine (Gln) at this position despite high nearby amino acid conservation. In addition, computational prediction tools do not suggest a high likelihood of impact to the protein. It has been identified in 16/22610 African chromosomes by the Genome Aggregation Database (gnomAD; dbSNP rs761180573).

Breakthrough Genomics
Classification: Likely benign. Review status: criteria provided, single submitter. Criteria: ACMG Guidelines, 2015. Collection method: not provided. Allele origin: germline. Inheritance: Autosomal recessive inheritance. Affected: yes.